The following is an entry in ClinVar:

ClinVar aggregate classification (germline): Uncertain significance. Review status: criteria provided, multiple submitters, no conflicts (2 of 4 stars). 2 submissions from 2 submitters: Uncertain significance (2). Last evaluated 2024-05-02.

Conditions:
Hereditary cancer-predisposing syndrome. Also called: Neoplastic Syndromes, Hereditary; Tumor predisposition; Hereditary neoplastic syndrome; Hereditary Cancer Syndrome. Identifiers: Orphanet 140162, MedGen C0027672, MeSH D009386, MONDO:0015356.
POLD1-related polyposis and colorectal cancer syndrome (CRCS10). Also called: COLORECTAL CANCER, SUSCEPTIBILITY TO, ON CHROMOSOME 19q; Colorectal cancer 10; Colorectal cancer, susceptibility to, 10. Identifiers: Orphanet 220460, MedGen C2675481, MONDO:0012953, OMIM 612591.

Submissions (2):

Ambry Genetics
Classification: Uncertain significance for Hereditary cancer-predisposing syndrome. Last evaluated: 2024-05-02. Review status: criteria provided, single submitter. Criteria: Ambry Variant Classification Scheme 2023. Collection method: clinical testing. Allele origin: germline.
Comment: The p.I494L variant (also known as c.1480A>C), located in coding exon 11 of the POLD1 gene, results from an A to C substitution at nucleotide position 1480. The isoleucine at codon 494 is replaced by leucine, an amino acid with highly similar properties. This amino acid position is conserved. In addition, this alteration is predicted to be tolerated by in silico analysis. Since supporting evidence is limited at this time, the clinical significance of this alteration remains unclear.

Labcorp Genetics (formerly Invitae), Labcorp
Classification: Uncertain significance for POLD1-related polyposis and colorectal cancer syndrome. Last evaluated: 2024-04-08. Review status: criteria provided, single submitter. Criteria: Invitae Variant Classification Sherloc (09022015). Collection method: clinical testing. Allele origin: germline.
Comment: This sequence change replaces isoleucine, which is neutral and non-polar, with leucine, which is neutral and non-polar, at codon 494 of the POLD1 protein (p.Ile494Leu). This variant is not present in population databases (gnomAD no frequency). This variant has not been reported in the literature in individuals affected with POLD1-related conditions. ClinVar contains an entry for this variant (Variation ID: 1721021). Advanced modeling of protein sequence and biophysical properties (such as structural, functional, and spatial information, amino acid conservation, physicochemical variation, residue mobility, and thermodynamic stability) has been performed at Invitae for this missense variant, however the output from this modeling did not meet the statistical confidence thresholds required to predict the impact of this variant on POLD1 protein function. In summary, the available evidence is currently insufficient to determine the role of this variant in disease. Therefore, it has been classified as a Variant of Uncertain Significance.

NM_002691.4(POLD1):c.1480A>C (p.Ile494Leu)

Gene: POLD1 (DNA polymerase delta 1, catalytic subunit; plus strand). Cytogenetic location: 19q13.33.
Variant type: single nucleotide variant.
Coding change: c.1480A>C on transcript NM_002691.4 (MANE Select); coding-DNA position 1480, A replaced by C.
Protein change: p.Ile494Leu; replaces isoleucine 494 with leucine.
Molecular consequence: missense variant. On other transcripts: non-coding transcript variant (1).
Genome position (GRCh38, 1-based): chr19:50,406,503, A>C. VCF-style: chr19-50406503-A-C. GRCh37 (hg19) VCF-style: chr19-50909760-A-C.
Other names: c.1480A>C, p.Ile494Leu (NM_001256849.1, NM_001308632.1); short protein forms I494L.
Identifiers: ClinVar variation 1721021 (VCV001721021.9), dbSNP rs2513995448, ClinGen allele CA406980300.